The following is an entry in ClinVar:

ClinVar aggregate classification (germline): Likely benign (1 of 4 stars; one submission).

Allele frequency attached by ClinVar (database versions not stated): ExAC 0.00036; TOPMed 0.00051; gnomAD 0.00053; gnomAD exomes 0.00081.
gnomAD v4.1: 1,259 of 1,596,514 alleles (0.079%); highest among the groups gnomAD compares: Non-Finnish European, 0.1%; no homozygotes.

Submission:

CeGaT Center for Human Genetics Tuebingen
Classification: Likely benign. Last evaluated: 2026-05-01. Review status: criteria provided, single submitter. Criteria: CeGaT Center For Human Genetics Tuebingen Variant Classification Criteria Version 2. Collection method: clinical testing. Allele origin: germline. Affected: yes. Observed: 5 variant alleles.
Comment: SYNE1: BP4

NM_182961.4(SYNE1):c.3027+91A>G

Gene: SYNE1 (spectrin repeat containing nuclear envelope protein 1; minus strand). Cytogenetic location: 6q25.2.
Variant type: single nucleotide variant.
Coding change: c.3027+91A>G on transcript NM_182961.4 (MANE Select); 91 bases into the intron after coding-DNA position 3027, A replaced by G.
Molecular consequence: intron variant.
Genome position (GRCh38, 1-based): chr6:152,453,495, T>C on the plus strand (A>G on the coding strand, the complement: SYNE1 is on the minus strand). VCF-style: chr6-152453495-T-C. GRCh37 (hg19) VCF-style: chr6-152774630-T-C.
Other names: c.3048+91A>G (NM_033071.5).
Identifiers: ClinVar variation 2657033 (VCV002657033.24), dbSNP rs746570138, ClinGen allele CA4058947.
Genomic context (GRCh38, chr6:152,453,495, plus strand): 5'-TTTAAGTCCAGTTTTTTGAGTTTTTAAATGAGCGAAATAGTTACAGTGACTTTCCAGGAA[T>C]TTCTAAATTTCTCTTACATTTGGACCTTAACACGCTCAAGCTTCTCCCTTCATTGAGGAT-3'